The following is an entry in ClinVar:

NM_000455.5(STK11):c.227C>T (p.Ala76Val)

Gene: STK11 (serine/threonine kinase 11; plus strand). Cytogenetic location: 19p13.3.
Variant type: single nucleotide variant.
Coding change: c.227C>T on transcript NM_000455.5 (MANE Select); coding-DNA position 227, C replaced by T.
Protein change: p.Ala76Val; replaces alanine 76 with valine.
Molecular consequence: missense variant.
Genome position (GRCh38, 1-based): chr19:1,207,140, C>T. VCF-style: chr19-1207140-C-T. GRCh37 (hg19) VCF-style: chr19-1207139-C-T.
Other names: short protein forms A76V.
Identifiers: ClinVar variation 219618 (VCV000219618.12), dbSNP rs773422811, ClinGen allele CA046603.

ClinVar aggregate classification (germline): Uncertain significance. Review status: criteria provided, multiple submitters, no conflicts (2 of 4 stars). 2 submissions from 2 submitters: Uncertain significance (2). Last evaluated 2026-07-30.

Conditions:
Hereditary cancer-predisposing syndrome. Also called: Tumor predisposition; Neoplastic Syndromes, Hereditary; Hereditary Cancer Syndrome; Hereditary neoplastic syndrome. Identifiers: Orphanet 140162, MedGen C0027672, MeSH D009386, MONDO:0015356.
Peutz-Jeghers syndrome (PJS). Also called: POLYPOSIS, HAMARTOMATOUS INTESTINAL; POLYPS-AND-SPOTS SYNDROME; Peutz-Jeghers polyposis; Periorificial lentiginosis syndrome. Identifiers: Orphanet 2869, MedGen C0031269, MeSH D010580, MONDO:0008280, OMIM 175200.

Allele frequency attached by ClinVar (database versions not stated): gnomAD exomes below 0.00001; ExAC 0.00001.

Submissions (2):

Ambry Genetics
Classification: Uncertain significance for Hereditary cancer-predisposing syndrome. Last evaluated: 2026-07-30. Review status: criteria provided, single submitter. Criteria: Ambry Variant Classification Scheme 2023. Collection method: clinical testing. Allele origin: germline.
Comment: The p.A76V variant (also known as c.227C>T), located in coding exon 1 of the STK11 gene, results from a C to T substitution at nucleotide position 227. The alanine at codon 76 is replaced by valine, an amino acid with similar properties. This variant was reported in individual(s) with features consistent with Peutz-Jeghers syndrome including mucocutaneous hyperpigmentation (Ambry internal data). This amino acid position is well conserved in available vertebrate species. In addition, this alteration is predicted to be deleterious by in silico analysis. Based on the available evidence, the clinical significance of this variant remains unclear.

Labcorp Genetics (formerly Invitae), Labcorp
Classification: Uncertain significance for Peutz-Jeghers syndrome. Last evaluated: 2023-04-26. Review status: criteria provided, single submitter. Criteria: Invitae Variant Classification Sherloc (09022015). Collection method: clinical testing. Allele origin: germline.
Comment: In summary, the available evidence is currently insufficient to determine the role of this variant in disease. Therefore, it has been classified as a Variant of Uncertain Significance. Advanced modeling of protein sequence and biophysical properties (such as structural, functional, and spatial information, amino acid conservation, physicochemical variation, residue mobility, and thermodynamic stability) performed at Invitae indicates that this missense variant is expected to disrupt STK11 protein function. ClinVar contains an entry for this variant (Variation ID: 219618). This variant has not been reported in the literature in individuals affected with STK11-related conditions. This variant is present in population databases (rs773422811, gnomAD 0.006%). This sequence change replaces alanine, which is neutral and non-polar, with valine, which is neutral and non-polar, at codon 76 of the STK11 protein (p.Ala76Val).